The following is an entry in ClinVar:

NM_000548.5(TSC2):c.2640-8C>T

Gene: TSC2 (TSC complex subunit 2; plus strand). Cytogenetic location: 16p13.3.
Variant type: single nucleotide variant.
Coding change: c.2640-8C>T on transcript NM_000548.5 (MANE Select); 8 bases into the intron before coding-DNA position 2640, C replaced by T.
Molecular consequence: intron variant.
Genome position (GRCh38, 1-based): chr16:2,076,060, C>T. VCF-style: chr16-2076060-C-T. GRCh37 (hg19) VCF-style: chr16-2126061-C-T.
Other names: c.2640-8C>T (NM_001114382.3, NM_021055.3, NM_001370405.1 and 3 more transcripts); c.2529-8C>T (NM_001318827.2); c.2040-8C>T (NM_001318831.2); c.2493-8C>T (NM_001318829.2); c.2673-8C>T (NM_001318832.2).
Identifiers: ClinVar variation 1610667 (VCV001610667.9), dbSNP rs766389789, ClinGen allele CA040803.

ClinVar aggregate classification (germline): Likely benign. Review status: criteria provided, multiple submitters, no conflicts (2 of 4 stars). 2 submissions from 2 submitters: Likely benign (2). Last evaluated 2025-09-08.

Conditions:
Tuberous sclerosis 2 (TSC2). Identifiers: Orphanet 805, MedGen C1860707, MONDO:0013199, OMIM 613254.

Allele frequency attached by ClinVar (database versions not stated): gnomAD exomes below 0.00001; ExAC 0.00001.
gnomAD v4.1: 1 of 1,613,952 alleles (0.000062%); highest among the groups gnomAD compares: East Asian, 0.0022%; no homozygotes.

Submissions (2):

Labcorp Genetics (formerly Invitae), Labcorp
Classification: Likely benign for Tuberous sclerosis 2. Last evaluated: 2025-09-08. Review status: criteria provided, single submitter. Criteria: Invitae Variant Classification Sherloc (09022015). Collection method: clinical testing. Allele origin: germline.

Myriad Genetics, Inc.
Classification: Likely benign for Tuberous sclerosis 2. Last evaluated: 2025-05-21. Review status: criteria provided, single submitter. Criteria: Myriad Autosomal Dominant, Autosomal Recessive and X-Linked Classification Criteria (2023). Collection method: clinical testing. Allele origin: unknown.
Comment: This variant is considered likely benign. This variant is intronic and is not expected to impact mRNA splicing.